The following is an entry in ClinVar:

ClinVar aggregate classification (germline): Uncertain significance (1 of 4 stars; one submission).

Conditions:
Neurodevelopmental disorder with poor growth and behavioral abnormalities (NEDGBA). Identifiers: MedGen C5830273, MONDO:0859377, OMIM 620242.

Submission:

Juno Genomics, Hangzhou Juno Genomics, Inc
Classification: Uncertain significance for Neurodevelopmental disorder with poor growth and behavioral abnormalities. Review status: criteria provided, single submitter. Criteria: ACMG Guidelines, 2015. Collection method: clinical testing. Allele origin: germline.
Comment: Absent from controls (or at extremely low frequency if recessive) in Genome Aggregation Database.;Missense variant in a gene that has a low rate of benign missense variation.;Multiple lines of computational evidence support a deleterious effect on the gene or gene product.

NM_006045.3(ATP9A):c.1811A>C (p.Lys604Thr)

Gene: ATP9A (ATPase phospholipid transporting 9A; minus strand). Cytogenetic location: 20q13.2.
Variant type: single nucleotide variant.
Coding change: c.1811A>C on transcript NM_006045.3 (MANE Select); coding-DNA position 1811, A replaced by C.
Protein change: p.Lys604Thr; replaces lysine 604 with threonine.
Molecular consequence: missense variant.
Genome position (GRCh38, 1-based): chr20:51,627,634, T>G on the plus strand (A>C on the coding strand, the complement: ATP9A is on the minus strand). VCF-style: chr20-51627634-T-G. GRCh37 (hg19) VCF-style: chr20-50244173-T-G.
Other names: short protein forms K604T.
Identifiers: ClinVar variation 5006391 (VCV005006391.2).
Genomic context (GRCh38, chr20:51,627,634, plus strand): 5'-AATGGAAAGGTCCCAGAACAACTTACTTCAAAGTCCTGATACTGCTCCTCTGCAAGAGAC[T>G]TCTTTGCCACCACGAGCACCCGCAGCCCTTCTCGGGCCATGTTGCCACACTGAAAAATAG-3'
Protein context (NP_006036.1, residues 594-614): EGLRVLVVAK[Lys604Thr]SLAEEQYQDF